The following is an entry in ClinVar:

NM_021098.3(CACNA1H):c.806A>G (p.Asn269Ser)

Gene: CACNA1H (calcium voltage-gated channel subunit alpha1 H; plus strand). Cytogenetic location: 16p13.3.
Variant type: single nucleotide variant.
Coding change: c.806A>G on transcript NM_021098.3 (MANE Select); coding-DNA position 806, A replaced by G.
Protein change: p.Asn269Ser; replaces asparagine 269 with serine.
Molecular consequence: missense variant.
Genome position (GRCh38, 1-based): chr16:1,200,258, A>G. VCF-style: chr16-1200258-A-G. GRCh37 (hg19) VCF-style: chr16-1250258-A-G.
Other names: c.806A>G (NM_021098.2); c.806A>G, p.Asn269Ser (NM_001005407.2); short protein forms N269S.
Identifiers: ClinVar variation 1348396 (VCV001348396.11), dbSNP rs751311855, ClinGen allele CA7799667.

ClinVar aggregate classification (germline): Uncertain significance. Review status: criteria provided, multiple submitters, no conflicts (2 of 4 stars). 3 submissions from 3 submitters: Uncertain significance (3). Last evaluated 2024-08-11.

Conditions:
Epilepsy, childhood absence, susceptibility to, 6. Identifiers: Orphanet 64280, MedGen C2749872, MONDO:0012763, OMIM 611942.
Hyperaldosteronism, familial, type IV (HALD4). Also called: FH IV; ALDOSTERONISM, PRIMARY, AND HYPERTENSION. Identifiers: Orphanet 642671, MedGen C4310756, MONDO:0014875, OMIM 617027.
Idiopathic generalized epilepsy. Also called: EIG; Generalised epilepsy. Identifiers: MedGen C0270850, MONDO:0005579, OMIM 600669.
Inborn genetic diseases. Identifiers: MedGen C0950123, MeSH D030342.

Allele frequency attached by ClinVar (database versions not stated): gnomAD 0.00001; TOPMed 0.00001.
gnomAD v4.1: 4 of 1,595,488 alleles (0.00025%); highest among the groups gnomAD compares: South Asian, 0.0011%; no homozygotes.

Submissions (3):

Labcorp Genetics (formerly Invitae), Labcorp
Classification: Uncertain significance for Idiopathic generalized epilepsy; Hyperaldosteronism, familial, type IV. Last evaluated: 2024-08-11. Review status: criteria provided, single submitter. Criteria: Invitae Variant Classification Sherloc (09022015). Collection method: clinical testing. Allele origin: germline.
Comment: This sequence change replaces asparagine, which is neutral and polar, with serine, which is neutral and polar, at codon 269 of the CACNA1H protein (p.Asn269Ser). This variant is present in population databases (rs751311855, gnomAD 0.001%). This variant has not been reported in the literature in individuals affected with CACNA1H-related conditions. ClinVar contains an entry for this variant (Variation ID: 1348396). An algorithm developed to predict the effect of missense changes on protein structure and function (PolyPhen-2) suggests that this variant is likely to be disruptive. In summary, the available evidence is currently insufficient to determine the role of this variant in disease. Therefore, it has been classified as a Variant of Uncertain Significance.

Fulgent Genetics
Classification: Uncertain significance for Epilepsy, childhood absence, susceptibility to, 6; Hyperaldosteronism, familial, type IV. Last evaluated: 2024-06-06. Review status: criteria provided, single submitter. Criteria: ACMG Guidelines, 2015. Collection method: clinical testing. Allele origin: germline.

Ambry Genetics
Classification: Uncertain significance for Inborn genetic diseases. Last evaluated: 2022-12-16. Review status: criteria provided, single submitter. Criteria: Ambry Variant Classification Scheme 2023. Collection method: clinical testing. Allele origin: germline.